The following is an entry in ClinVar:

ClinVar aggregate classification (germline): Uncertain significance (1 of 4 stars; one submission).

gnomAD v4.1: 9 of 1,274,072 alleles (0.00071%); highest among the groups gnomAD compares: Non-Finnish European, 0.00069%; no homozygotes.

Submission:

Labcorp Genetics (formerly Invitae), Labcorp
Classification: Uncertain significance. Last evaluated: 2025-10-28. Review status: criteria provided, single submitter. Criteria: Invitae Variant Classification Sherloc (09022015). Collection method: clinical testing. Allele origin: germline.
Comment: This sequence change replaces proline, which is neutral and non-polar, with arginine, which is basic and polar, at codon 142 of the CDK13 protein (p.Pro142Arg). This variant is not present in population databases (gnomAD no frequency). This variant has not been reported in the literature in individuals affected with CDK13-related conditions. ClinVar contains an entry for this variant (Variation ID: 3632676). Invitae Evidence Modeling of protein sequence and biophysical properties (such as structural, functional, and spatial information, amino acid conservation, physicochemical variation, residue mobility, and thermodynamic stability) indicates that this missense variant is not expected to disrupt CDK13 protein function with a negative predictive value of 95%. In summary, the available evidence is currently insufficient to determine the role of this variant in disease. Therefore, it has been classified as a Variant of Uncertain Significance.

NM_003718.5(CDK13):c.425C>G (p.Pro142Arg)

Genes: CDK13 (cyclin dependent kinase 13; plus strand), LOC129998292 (ATAC-STARR-seq lymphoblastoid silent region 18115; plus strand). Cytogenetic location: 7p14.1.
Variant type: single nucleotide variant.
Coding change: c.425C>G on transcript NM_003718.5 (MANE Select); coding-DNA position 425, C replaced by G.
Protein change: p.Pro142Arg; replaces proline 142 with arginine.
Molecular consequence: missense variant.
Genome position (GRCh38, 1-based): chr7:39,951,066, C>G. VCF-style: chr7-39951066-C-G. GRCh37 (hg19) VCF-style: chr7-39990665-C-G.
Other names: c.425C>G, p.Pro142Arg (NM_031267.4); short protein forms P142R.
Identifiers: ClinVar variation 3632676 (VCV003632676.2).